The following is an entry in ClinVar:

ClinVar aggregate classification (germline): Conflicting classifications of pathogenicity. Review status: criteria provided, conflicting classifications (1 of 4 stars). 3 submissions from 3 submitters: Uncertain significance (1); Likely benign (1). 1 of the submissions does not count toward it. Last evaluated 2025-10-01.

Conditions:
AIMP1-related disorder. Also called: AIMP1-related condition.
Inborn genetic diseases. Identifiers: MedGen C0950123, MeSH D030342.

Allele frequency attached by ClinVar (database versions not stated): gnomAD exomes 0.00011; ESP Exome Variant Server 0.00015; TOPMed 0.00015; ExAC 0.00017; gnomAD 0.00019.
gnomAD v4.1: 202 of 1,613,950 alleles (0.013%); highest among the groups gnomAD compares: Non-Finnish European, 0.0024%; 1 homozygote.

Submissions (3):

Labcorp Genetics (formerly Invitae), Labcorp
Classification: Likely benign. Last evaluated: 2025-10-01. Review status: criteria provided, single submitter. Criteria: Invitae Variant Classification Sherloc (09022015). Collection method: clinical testing. Allele origin: germline.

Ambry Genetics
Classification: Uncertain significance for Inborn genetic diseases. Last evaluated: 2022-04-08. Review status: criteria provided, single submitter. Criteria: Ambry Variant Classification Scheme 2023. Collection method: clinical testing. Allele origin: germline.

PreventionGenetics, part of Exact Sciences
Classification: Likely benign for AIMP1-related condition. Last evaluated: 2019-07-10. Review status: no assertion criteria provided. Collection method: clinical testing. Allele origin: germline. Not counted in ClinVar's aggregate classification.
Comment: This variant is classified as likely benign based on ACMG/AMP sequence variant interpretation guidelines (Richards et al. 2015 PMID: 25741868, with internal and published modifications).

NM_001142416.2(AIMP1):c.707T>C (p.Ile236Thr)

Gene: AIMP1 (aminoacyl tRNA synthetase complex interacting multifunctional protein 1; plus strand). Cytogenetic location: 4q24.
Variant type: single nucleotide variant.
Coding change: c.707T>C on transcript NM_001142416.2 (MANE Select); coding-DNA position 707, T replaced by C.
Protein change: p.Ile236Thr; replaces isoleucine 236 with threonine.
Molecular consequence: missense variant.
Genome position (GRCh38, 1-based): chr4:106,336,972, T>C. VCF-style: chr4-106336972-T-C. GRCh37 (hg19) VCF-style: chr4-107258129-T-C.
Other names: c.707T>C, p.Ile236Thr (NM_001142415.2, NM_004757.4); c.707T>C (NM_004757.3); short protein forms I236T.
Identifiers: ClinVar variation 2190720 (VCV002190720.7), dbSNP rs201023640, ClinGen allele CA3035784.